The following is an entry in ClinVar:

NM_000059.4(BRCA2):c.3016G>A (p.Gly1006Arg)

Gene: BRCA2 (BRCA2 DNA repair associated; plus strand). Cytogenetic location: 13q13.1.
Variant type: single nucleotide variant.
Coding change: c.3016G>A on transcript NM_000059.4 (MANE Select); coding-DNA position 3016, G replaced by A.
Protein change: p.Gly1006Arg; replaces glycine 1006 with arginine.
Molecular consequence: missense variant.
Genome position (GRCh38, 1-based): chr13:32,337,371, G>A. VCF-style: chr13-32337371-G-A. GRCh37 (hg19) VCF-style: chr13-32911508-G-A.
Other names: short protein forms G1006R.
Identifiers: ClinVar variation 438969 (VCV000438969.7), dbSNP rs886038083, ClinGen allele CA387774800.

ClinVar aggregate classification (germline): Conflicting classifications of pathogenicity. Review status: criteria provided, conflicting classifications (1 of 4 stars). 3 submissions from 3 submitters: Uncertain significance (2); Likely benign (1). Last evaluated 2024-04-10.

Conditions:
Hereditary cancer-predisposing syndrome. Also called: Hereditary neoplastic syndrome; Hereditary Cancer Syndrome; Tumor predisposition; Neoplastic Syndromes, Hereditary. Identifiers: Orphanet 140162, MedGen C0027672, MeSH D009386, MONDO:0015356.
Hereditary breast ovarian cancer syndrome. Also called: Breast and ovarian cancer; Hereditary breast and ovarian cancer; BRCA1- and BRCA2-Associated Hereditary Breast and Ovarian Cancer; Hereditary breast and/or ovarian cancer syndrome; Hereditary breast and ovarian cancer syndrome; Hereditary breast and ovarian cancer syndrome (HBOC). Identifiers: Orphanet 145, MedGen C0677776, MeSH D061325, MONDO:0003582. Disease mechanism: loss of function.

Submissions (3):

Labcorp Genetics (formerly Invitae), Labcorp
Classification: Uncertain significance for Hereditary breast ovarian cancer syndrome. Last evaluated: 2024-04-10. Review status: criteria provided, single submitter. Criteria: Invitae Variant Classification Sherloc (09022015). Collection method: clinical testing. Allele origin: germline.
Comment: This sequence change replaces glycine, which is neutral and non-polar, with arginine, which is basic and polar, at codon 1006 of the BRCA2 protein (p.Gly1006Arg). This variant is not present in population databases (gnomAD no frequency). This variant has not been reported in the literature in individuals affected with BRCA2-related conditions. ClinVar contains an entry for this variant (Variation ID: 438969). Advanced modeling of protein sequence and biophysical properties (such as structural, functional, and spatial information, amino acid conservation, physicochemical variation, residue mobility, and thermodynamic stability) performed at Invitae indicates that this missense variant is not expected to disrupt BRCA2 protein function with a negative predictive value of 95%. In summary, the available evidence is currently insufficient to determine the role of this variant in disease. Therefore, it has been classified as a Variant of Uncertain Significance.

University of Washington Department of Laboratory Medicine, University of Washington
Classification: Likely benign for Hereditary cancer-predisposing syndrome. Last evaluated: 2023-03-23. Review status: criteria provided, single submitter. Criteria: Dines et al. (Genet Med. 2020). Collection method: curation. Allele origin: germline.
Comment: Missense variant in a coldspot region where missense variants are very unlikely to be pathogenic (PMID:31911673).

BRCA2 exon 11 coldspot. Reclassification based on statistical prior probability.

Quest Diagnostics Nichols Institute San Juan Capistrano
Classification: Uncertain significance. Last evaluated: 2017-03-27. Review status: criteria provided, single submitter. Criteria: Quest Diagnostics criteria. Collection method: clinical testing. Allele origin: germline.